The following is an entry in ClinVar:

NM_000474.4(TWIST1):c.376G>T (p.Glu126Ter)

Gene: TWIST1 (twist family bHLH transcription factor 1; minus strand). Cytogenetic location: 7p21.1.
Variant type: single nucleotide variant.
Coding change: c.376G>T on transcript NM_000474.4 (MANE Select); coding-DNA position 376, G replaced by T.
Protein change: p.Glu126Ter; replaces glutamic acid 126 with a stop codon.
Molecular consequence: nonsense. On other transcripts: non-coding transcript variant (1).
Genome position (GRCh38, 1-based): chr7:19,116,946, C>A on the plus strand (G>T on the coding strand, the complement: TWIST1 is on the minus strand). VCF-style: chr7-19116946-C-A. GRCh37 (hg19) VCF-style: chr7-19156569-C-A.
Other names: E130*; short protein forms E126*.
Identifiers: ClinVar variation 7977 (VCV000007977.14), dbSNP rs121909188, ClinGen allele CA254289.

ClinVar aggregate classification (germline): Pathogenic. Review status: criteria provided, multiple submitters, no conflicts (2 of 4 stars). 5 submissions from 5 submitters: Pathogenic (4). 1 of the submissions does not count toward it. Last evaluated 2024-11-11.

Conditions:
TWIST1-related craniosynostosis (CRS1). Also called: CRANIOSYNOSTOSIS 1. Identifiers: Orphanet 63440, MedGen C4551902, MONDO:0007399, OMIM 123100. Inheritance: Heterogenous inheritance pattern.
Saethre-Chotzen syndrome (SCS). Also called: ACROCEPHALY, SKULL ASYMMETRY, AND MILD SYNDACTYLY; ACS III; CHOTZEN SYNDROME. Identifiers: Orphanet 794, MedGen C0175699, MONDO:0007042, OMIM 101400.

Allele frequency attached by ClinVar (database versions not stated): gnomAD exomes below 0.00001.

Submissions (5):

Labcorp Genetics (formerly Invitae), Labcorp
Classification: Pathogenic for TWIST1-related craniosynostosis; Saethre-Chotzen syndrome. Last evaluated: 2024-11-11. Review status: criteria provided, single submitter. Criteria: Invitae Variant Classification Sherloc (09022015). Collection method: clinical testing. Allele origin: germline.
Comment: This sequence change creates a premature translational stop signal (p.Glu126*) in the TWIST1 gene. It is expected to result in an absent or disrupted protein product. Loss-of-function variants in TWIST1 are known to be pathogenic (PMID: 10749989). This variant is not present in population databases (gnomAD no frequency). This premature translational stop signal has been observed in individual(s) with Saethre-Chotzen syndrome (PMID: 8988167, 10649491, 19373776, 20643727, 24127277). ClinVar contains an entry for this variant (Variation ID: 7977). For these reasons, this variant has been classified as Pathogenic.

Genetics and Genomic Medicine Centre, NeuroGen Healthcare, NeuroGen Healthcare
Classification: Pathogenic for TWIST1-related craniosynostosis. Last evaluated: 2024-07-15. Review status: criteria provided, single submitter. Criteria: ACMG Guidelines, 2015. Collection method: clinical testing. Allele origin: unknown. Affected: yes.

GeneDx
Classification: Pathogenic. Last evaluated: 2023-12-21. Review status: criteria provided, single submitter. Criteria: GeneDx Variant Classification Process June 2021. Collection method: clinical testing. Allele origin: germline. Affected: yes.
Comment: Nonsense variant predicted to result in protein truncation, as the last 77 amino acids are lost, and other loss-of-function variants have been reported downstream in HGMD; Not observed in large population cohorts (gnomAD); This variant is associated with the following publications: (PMID: 10649491, 11248247, 20643727, 19373776, 35591945, 24127277, 8988167)

3billion
Classification: Pathogenic for Saethre-Chotzen syndrome. Last evaluated: 2022-03-22. Review status: criteria provided, single submitter. Criteria: ACMG Guidelines, 2015. Collection method: clinical testing. Allele origin: germline. Affected: yes. Observed: 1 heterozygote.
Comment: Stop-gained (nonsense): predicted to result in a loss or disruption of normal protein function through protein truncation. Multiple pathogenic variants are reported in the predicted truncated region.It is not observed in the gnomAD v2.1.1 dataset. The variant has been observed in multiple (>3) similarly affected unrelated individuals (PMID: 8988167, 24127277, 10649491, 19373776, 20643727). Therefore, this variant is classified as pathogenic according to the recommendation of ACMG/AMP guideline.

OMIM
Classification: Pathogenic for SAETHRE-CHOTZEN SYNDROME. Last evaluated: 2017-10-26. Review status: no assertion criteria provided. Collection method: literature only. Allele origin: germline. Not counted in ClinVar's aggregate classification.

Literature cited by the submitters: PubMed 10749989 (cited by Labcorp Genetics (formerly Invitae), Labcorp); PubMed 8988167 (cited by Labcorp Genetics (formerly Invitae), Labcorp and 3billion); PubMed 10649491 (cited by Labcorp Genetics (formerly Invitae), Labcorp and 3billion); PubMed 19373776 (cited by Labcorp Genetics (formerly Invitae), Labcorp and 3billion); PubMed 20643727 (cited by Labcorp Genetics (formerly Invitae), Labcorp and 3billion); PubMed 24127277 (cited by Labcorp Genetics (formerly Invitae), Labcorp and 3billion); PubMed 11248247 (cited by OMIM).